The following is an entry in ClinVar:

ClinVar aggregate classification (germline): Uncertain significance (1 of 4 stars; one submission).

Allele frequency attached by ClinVar (database versions not stated): gnomAD exomes below 0.00001; TOPMed below 0.00001.
gnomAD v4.1: 3 of 1,603,722 alleles (0.00019%); highest among the groups gnomAD compares: Non-Finnish European, 0.00017%; no homozygotes.

Submission:

GeneDx
Classification: Uncertain significance. Last evaluated: 2019-04-09. Review status: criteria provided, single submitter. Criteria: GeneDx Variant Classification Process June 2021. Collection method: clinical testing. Allele origin: germline. Affected: yes.
Comment: Not observed in large population cohorts (Lek et al., 2016); In silico analysis, which includes protein predictors and evolutionary conservation, supports that this variant does not alter protein structure/function; Has not been previously published as pathogenic or benign to our knowledge

NM_005573.4(LMNB1):c.1393C>T (p.Pro465Ser)

Gene: LMNB1 (lamin B1; plus strand). Cytogenetic location: 5q23.2.
Variant type: single nucleotide variant.
Coding change: c.1393C>T on transcript NM_005573.4 (MANE Select); coding-DNA position 1393, C replaced by T.
Protein change: p.Pro465Ser; replaces proline 465 with serine.
Molecular consequence: missense variant. On other transcripts: non-coding transcript variant (1).
Genome position (GRCh38, 1-based): chr5:126,822,787, C>T. VCF-style: chr5-126822787-C-T. GRCh37 (hg19) VCF-style: chr5-126158479-C-T.
Other names: c.763C>T, p.Pro255Ser (NM_001198557.2); short protein forms P255S, P465S.
Identifiers: ClinVar variation 1308536 (VCV001308536.2), dbSNP rs1245676265, ClinGen allele CA360728267.